The following is an entry in ClinVar:

NM_004369.4(COL6A3):c.7501C>T (p.Arg2501Cys)

Gene: COL6A3 (collagen type VI alpha 3 chain; minus strand). Cytogenetic location: 2q37.3.
Variant type: single nucleotide variant.
Coding change: c.7501C>T on transcript NM_004369.4 (MANE Select); coding-DNA position 7501, C replaced by T.
Protein change: p.Arg2501Cys; replaces arginine 2501 with cysteine.
Molecular consequence: missense variant.
Genome position (GRCh38, 1-based): chr2:237,344,517, G>A on the plus strand (C>T on the coding strand, the complement: COL6A3 is on the minus strand). VCF-style: chr2-237344517-G-A. GRCh37 (hg19) VCF-style: chr2-238253160-G-A.
Other names: c.6883C>T, p.Arg2295Cys (NM_057167.4); c.5680C>T, p.Arg1894Cys (NM_057166.5); short protein forms R2501C, R1894C, R2295C.
Identifiers: ClinVar variation 3337959 (VCV003337959.3).

ClinVar aggregate classification (germline): Uncertain significance. Review status: criteria provided, multiple submitters, no conflicts (2 of 4 stars). 2 submissions from 2 submitters: Uncertain significance (2). Last evaluated 2025-05-29.

Conditions:
Bethlem myopathy 1A. Also called: MYOPATHY, BENIGN CONGENITAL, WITH CONTRACTURES; Bethlem Muscular Dystrophy; Bethlem myopathy 1. Identifiers: Orphanet 610, MedGen CN029274, MONDO:0024530, OMIM 158810.

gnomAD v4.1: 3 of 1,614,042 alleles (0.00019%); highest among the groups gnomAD compares: Non-Finnish European, 0.00025%; no homozygotes.

Submissions (2):

Labcorp Genetics (formerly Invitae), Labcorp
Classification: Uncertain significance for Bethlem myopathy 1A. Last evaluated: 2025-05-29. Review status: criteria provided, single submitter. Criteria: Invitae Variant Classification Sherloc (09022015). Collection method: clinical testing. Allele origin: germline.
Comment: This sequence change replaces arginine, which is basic and polar, with cysteine, which is neutral and slightly polar, at codon 2501 of the COL6A3 protein (p.Arg2501Cys). This variant is present in population databases (no rsID available, gnomAD 0.007%). This variant has not been reported in the literature in individuals affected with COL6A3-related conditions. ClinVar contains an entry for this variant (Variation ID: 3337959). Invitae Evidence Modeling of protein sequence and biophysical properties (such as structural, functional, and spatial information, amino acid conservation, physicochemical variation, residue mobility, and thermodynamic stability) indicates that this missense variant is expected to disrupt COL6A3 protein function with a positive predictive value of 80%. This variant disrupts the p.Arg2501 amino acid residue in COL6A3. Other variant(s) that disrupt this residue have been determined to be pathogenic (PMID: 26004199; internal data). This suggests that this residue is clinically significant, and that variants that disrupt this residue are likely to be disease-causing. In summary, the available evidence is currently insufficient to determine the role of this variant in disease. Therefore, it has been classified as a Variant of Uncertain Significance.

Clinical Genetics Laboratory, Skane University Hospital Lund
Classification: Uncertain significance. Last evaluated: 2022-11-09. Review status: criteria provided, single submitter. Criteria: ACMG Guidelines, 2015. Collection method: clinical testing. Allele origin: germline. Affected: yes.

Literature cited by the submitters: PubMed 26004199 (cited by Labcorp Genetics (formerly Invitae), Labcorp).